The following is an entry in ClinVar:

NM_017514.5(PLXNA3):c.3321C>T (p.His1107=)

Gene: PLXNA3 (plexin A3; plus strand). Cytogenetic location: Xq28.
Variant type: single nucleotide variant.
Coding change: c.3321C>T on transcript NM_017514.5 (MANE Select); coding-DNA position 3321, C replaced by T.
Protein change: p.His1107=; no amino-acid change (histidine 1107 retained).
Molecular consequence: synonymous variant.
Genome position (GRCh38, 1-based): chrX:154,467,351, C>T. VCF-style: chrX-154467351-C-T. GRCh37 (hg19) VCF-style: chrX-153695694-C-T.
Identifiers: ClinVar variation 3036869 (VCV003036869.2), dbSNP rs143822288, ClinGen allele CA10564604.

ClinVar aggregate classification (germline): Likely benign (0 of 4 stars; one submission).

Conditions:
PLXNA3-related disorder. Also called: PLXNA3-related condition.

Allele frequency attached by ClinVar (database versions not stated): gnomAD exomes 0.00001; ExAC 0.00009; gnomAD 0.00022; TOPMed 0.00023; ESP Exome Variant Server 0.00038.
gnomAD v4.1: 38 of 1,204,075 alleles (0.0032%); highest among the groups gnomAD compares: African/African-American, 0.061%; no homozygotes.

Submission:

PreventionGenetics, part of Exact Sciences
Classification: Likely benign for PLXNA3-related condition. Last evaluated: 2021-11-19. Review status: no assertion criteria provided. Collection method: clinical testing. Allele origin: germline.
Comment: This variant is classified as likely benign based on ACMG/AMP sequence variant interpretation guidelines (Richards et al. 2015 PMID: 25741868, with internal and published modifications).